The following is an entry in ClinVar:

NM_001127.4(AP1B1):c.581G>A (p.Ser194Asn)

Gene: AP1B1 (adaptor related protein complex 1 subunit beta 1; minus strand). Cytogenetic location: 22q12.2.
Variant type: single nucleotide variant.
Coding change: c.581G>A on transcript NM_001127.4 (MANE Select); coding-DNA position 581, G replaced by A.
Protein change: p.Ser194Asn; replaces serine 194 with asparagine.
Molecular consequence: missense variant.
Genome position (GRCh38, 1-based): chr22:29,356,561, C>T on the plus strand (G>A on the coding strand, the complement: AP1B1 is on the minus strand). VCF-style: chr22-29356561-C-T. GRCh37 (hg19) VCF-style: chr22-29752550-C-T.
Other names: c.581G>A, p.Ser194Asn (NM_001166019.2, NM_001378562.1, NM_001378563.1 and 2 more transcripts); c.410G>A, p.Ser137Asn (NM_001378564.1, NM_001378565.1); short protein forms S137N, S194N.
Identifiers: ClinVar variation 3603116 (VCV003603116.1).
Genomic context (GRCh38, chr22:29,356,561, plus strand): 5'-CACTCATTGAGGGCTGTCAGCAGCTTGTTGATGGACTGTGGGTTCAGATCGAGCAGGTTG[C>T]TGCTGGGGTGAGACTCGGCAATTTCTGAGAGCGCTGCCACTGCATTGGCCACCACCTGGT-3'
Protein context (NP_001118.3, residues 184-204): LSEIAESHPS[Ser194Asn]NLLDLNPQSI

ClinVar aggregate classification (germline): Uncertain significance (1 of 4 stars; one submission).

gnomAD v4.1: 2 of 1,614,182 alleles (0.00012%); highest among the groups gnomAD compares: East Asian, 0.0022%; no homozygotes.

Submission:

GeneDx
Classification: Uncertain significance. Last evaluated: 2024-08-06. Review status: criteria provided, single submitter. Criteria: GeneDx Variant Classification Process June 2021. Collection method: clinical testing. Allele origin: germline. Affected: yes.
Comment: In silico analysis indicates that this missense variant does not alter protein structure/function; In silico analysis suggests this variant may impact gene splicing. In the absence of RNA/functional studies, the actual effect of this sequence change is unknown.; Has not been previously published as pathogenic or benign to our knowledge